The following is an entry in ClinVar:

ClinVar aggregate classification (germline): Uncertain significance (1 of 4 stars; one submission).

Conditions:
Cardiovascular phenotype. Identifiers: MedGen CN230736.

gnomAD v4.1: 1 of 1,613,086 alleles (0.000062%); highest among the groups gnomAD compares: Non-Finnish European, 0.000085%; no homozygotes.

Submission:

Ambry Genetics
Classification: Uncertain significance for Cardiovascular phenotype. Last evaluated: 2024-09-30. Review status: criteria provided, single submitter. Criteria: Ambry Variant Classification Scheme 2023. Collection method: clinical testing. Allele origin: germline.
Comment: The p.V1705M variant (also known as c.5113G>A), located in coding exon 13 of the TNXB gene, results from a G to A substitution at nucleotide position 5113. The valine at codon 1705 is replaced by methionine, an amino acid with highly similar properties. This amino acid position is conserved. In addition, this alteration is predicted to be tolerated by in silico analysis. Based on the available evidence, the clinical significance of this variant remains unclear.

NM_001365276.2(TNXB):c.5113G>A (p.Val1705Met)

Gene: TNXB (tenascin XB; minus strand). Cytogenetic location: 6p21.33.
Variant type: single nucleotide variant.
Coding change: c.5113G>A on transcript NM_001365276.2 (MANE Select); coding-DNA position 5113, G replaced by A.
Protein change: p.Val1705Met; replaces valine 1705 with methionine.
Molecular consequence: missense variant.
Genome position (GRCh38, 1-based): chr6:32,070,292, C>T on the plus strand (G>A on the coding strand, the complement: TNXB is on the minus strand). VCF-style: chr6-32070292-C-T. GRCh37 (hg19) VCF-style: chr6-32038069-C-T.
Other names: c.5854G>A, p.Val1952Met (NM_001428335.1); c.5113G>A, p.Val1705Met (NM_019105.8); short protein forms V1705M, V1952M.
Identifiers: ClinVar variation 3459805 (VCV003459805.1).